The following is an entry in ClinVar:

NM_003640.5(ELP1):c.1357T>C (p.Cys453Arg)

Gene: ELP1 (elongator acetyltransferase complex subunit 1; minus strand). Cytogenetic location: 9q31.3.
Variant type: single nucleotide variant.
Coding change: c.1357T>C on transcript NM_003640.5 (MANE Select); coding-DNA position 1357, T replaced by C.
Protein change: p.Cys453Arg; replaces cysteine 453 with arginine.
Molecular consequence: missense variant.
Genome position (GRCh38, 1-based): chr9:108,911,013, A>G on the plus strand (T>C on the coding strand, the complement: ELP1 is on the minus strand). VCF-style: chr9-108911013-A-G. GRCh37 (hg19) VCF-style: chr9-111673293-A-G.
Other names: c.1015T>C, p.Cys339Arg (NM_001318360.2); c.310T>C, p.Cys104Arg (NM_001330749.2); short protein forms C339R, C453R, C104R.
Identifiers: ClinVar variation 4765038 (VCV004765038.1).

ClinVar aggregate classification (germline): Uncertain significance (1 of 4 stars; one submission).

Submission:

Labcorp Genetics (formerly Invitae), Labcorp
Classification: Uncertain significance. Last evaluated: 2025-06-10. Review status: criteria provided, single submitter. Criteria: Invitae Variant Classification Sherloc (09022015). Collection method: clinical testing. Allele origin: germline.
Comment: This sequence change replaces cysteine, which is neutral and slightly polar, with arginine, which is basic and polar, at codon 453 of the ELP1 protein (p.Cys453Arg). This variant is not present in population databases (gnomAD no frequency). This variant has not been reported in the literature in individuals affected with ELP1-related conditions. Invitae Evidence Modeling of protein sequence and biophysical properties (such as structural, functional, and spatial information, amino acid conservation, physicochemical variation, residue mobility, and thermodynamic stability) indicates that this missense variant is not expected to disrupt ELP1 protein function with a negative predictive value of 80%. In summary, the available evidence is currently insufficient to determine the role of this variant in disease. Therefore, it has been classified as a Variant of Uncertain Significance.